The following is an entry in ClinVar:

ClinVar aggregate classification (germline): Pathogenic (1 of 4 stars; one submission).

Conditions:
Malan overgrowth syndrome (MALNS). Also called: NFIX-Related Malan Syndrome; MALAN SYNDROME; Sotos syndrome 2. Identifiers: Orphanet 420179, MedGen C3553660, MONDO:0013885, OMIM 614753.
Marshall-Smith syndrome (MRSHSS). Identifiers: Orphanet 561, MedGen C0265211, MONDO:0011244, OMIM 602535.

Submission:

Labcorp Genetics (formerly Invitae), Labcorp
Classification: Pathogenic for Malan overgrowth syndrome; Marshall-Smith syndrome. Last evaluated: 2022-01-01. Review status: criteria provided, single submitter. Criteria: Invitae Variant Classification Sherloc (09022015). Collection method: clinical testing. Allele origin: germline.
Comment: For these reasons, this variant has been classified as Pathogenic. This variant has not been reported in the literature in individuals affected with NFIX-related conditions. This variant is not present in population databases (gnomAD no frequency). This sequence change creates a premature translational stop signal (p.Val238Glufs*31) in the NFIX gene. It is expected to result in an absent or disrupted protein product. Loss-of-function variants in NFIX are known to be pathogenic (PMID: 20673863, 20949508, 24924640, 25118028).

Literature cited by the submitters: PubMed 20673863; PubMed 20949508; PubMed 24924640; PubMed 25118028.

NM_001365902.3(NFIX):c.687_688dup (p.Val230fs)

Gene: NFIX (nuclear factor I X; plus strand). Cytogenetic location: 19p13.13.
Variant type: Microsatellite.
Coding change: c.687_688dup on transcript NM_001365902.3 (MANE Select); coding-DNA positions 687 to 688, 2 bases duplicated (AG; older notation c.687_688dupAG).
Protein change: p.Val230fs; shifts the reading frame from valine 230.
Molecular consequence: frameshift variant.
Genome position (GRCh38, 1-based): chr19:13,073,486-13,073,487, AG duplicated; duplicating any 2 consecutive bases within chr19:13,073,483-13,073,487 gives the same sequence; the c. name uses the placement nearest the transcript's 3' end. VCF-style (leftmost placement, unchanged base first): chr19-13073482-T-TGA. GRCh37 (hg19) VCF-style: chr19-13184296-T-TGA.
Other names: c.711_712dup, p.Val238fs (NM_001271043.2); c.663_664dup, p.Val222fs (NM_001271044.3, NM_001378404.1); c.687_688dup, p.Val230fs (NM_001365982.2, NM_002501.4); c.546_547dup, p.Val183fs (NM_001365983.2); c.684_685dup, p.Val229fs (NM_001365984.2, NM_001365985.2); c.735_736dup, p.Val246fs (NM_001378405.1); short protein forms V230fs, V238fs, V183fs, V222fs, V229fs, V246fs.
Identifiers: ClinVar variation 2068227 (VCV002068227.4), dbSNP rs2512941801, ClinGen allele CA2580613065.
Genomic context (GRCh38, chr19:13,073,482, plus strand): 5'-GGCACTTAAGTTTCCAGGACTGTTTTGTGACTTCCGGGGTCTGGAATGTGACGGAGCTGG[T>TGA]GAGAGTATCACAGAGTAAGTGAGTCCTTCCTTCCAGGCCAGGGATGGGGATTGAAAGTGA-3'